The following is an entry in ClinVar:

ClinVar aggregate classification (germline): Benign. Review status: criteria provided, multiple submitters, no conflicts (2 of 4 stars). 2 submissions from 2 submitters: Benign (2). Last evaluated 2018-06-14.

Allele frequency attached by ClinVar (database versions not stated): gnomAD exomes 0.00272; gnomAD 0.03012 and 0.03237; 1000 Genomes Project 0.03135; 1000 Genomes Project 30x 0.03295; TOPMed 0.03469.
gnomAD v4.1: 7,313 of 1,121,772 alleles (0.65%); highest among the groups gnomAD compares: African/African-American, 10%; 369 homozygotes.

Submissions (2):

GeneDx
Classification: Benign. Last evaluated: 2018-06-14. Review status: criteria provided, single submitter. Criteria: GeneDx Variant Classification (06012015). Collection method: clinical testing. Allele origin: germline. Affected: yes.
Comment: This variant is considered likely benign or benign based on one or more of the following criteria: it is a conservative change, it occurs at a poorly conserved position in the protein, it is predicted to be benign by multiple in silico algorithms, and/or has population frequency not consistent with disease.

Breakthrough Genomics
Classification: Benign. Review status: criteria provided, single submitter. Criteria: ACMG Guidelines, 2015. Collection method: not provided. Allele origin: germline. Inheritance: Autosomal recessive inheritance. Affected: yes.

NM_003366.4(UQCRC2):c.613-96A>G

Genes: PDZD9 (PDZ domain containing 9), UQCRC2 (ubiquinol-cytochrome c reductase core protein 2). Cytogenetic location: 16p12.2.
Variant type: single nucleotide variant.
Coding change: c.613-96A>G on transcript NM_003366.4 (MANE Select); 96 bases into the intron before coding-DNA position 613, A replaced by G.
Molecular consequence: intron variant.
Genome position (GRCh38, 1-based): chr16:21,968,532, A>G. VCF-style: chr16-21968532-A-G. GRCh37 (hg19) VCF-style: chr16-21979853-A-G.
Identifiers: ClinVar variation 675590 (VCV000675590.2), dbSNP rs9924083, ClinGen allele CA279612370.